The following is an entry in ClinVar:

ClinVar aggregate classification (germline): Benign/Likely benign. Review status: criteria provided, multiple submitters, no conflicts (2 of 4 stars). 12 submissions from 12 submitters: Benign (6); Likely benign (1). 5 of the submissions do not count toward it. Last evaluated 2026-02-04.

Conditions:
Polyglandular autoimmune syndrome, type 1 (APS1). Also called: APS I; Autoimmune polyendocrine syndrome type 1; Whitaker syndrome; Autoimmune polyendocrinopathy syndrome , type I, with or without reversible metaphyseal dysplasia; AUTOIMMUNE POLYENDOCRINE SYNDROME, TYPE I, WITH OR WITHOUT REVERSIBLE METAPHYSEAL DYSPLASIA; HYPOADRENOCORTICISM WITH HYPOPARATHYROIDISM AND SUPERFICIAL MONILIASIS. Identifiers: Orphanet 3453, MedGen C0085859, MONDO:0009411, OMIM 240300.

Allele frequency attached by ClinVar (database versions not stated): gnomAD 0.17550 and 0.18036; TOPMed 0.19953; 1000 Genomes Project 0.23942; 1000 Genomes Project 30x 0.24813; gnomAD exomes 0.04101 and 0.09098; ExAC 0.11580; ESP Exome Variant Server 0.13711.
gnomAD v4.1: 85,723 of 1,546,618 alleles (5.5%); highest among the groups gnomAD compares: African/African-American, 53%; 13,380 homozygotes.

Submissions (12):

Labcorp Genetics (formerly Invitae), Labcorp
Classification: Benign for Polyglandular autoimmune syndrome, type 1. Last evaluated: 2026-02-04. Review status: criteria provided, single submitter. Criteria: Invitae Variant Classification Sherloc (09022015). Collection method: clinical testing. Allele origin: germline.

Blueprint Genetics
Classification: Likely benign. Last evaluated: 2024-11-28. Review status: criteria provided, single submitter. Criteria: ACMG Guidelines, 2015. Collection method: clinical testing. Allele origin: germline.

Mayo Clinic Laboratories, Mayo Clinic
Classification: Benign. Last evaluated: 2022-09-06. Review status: criteria provided, single submitter. Criteria: ACMG Guidelines, 2015. Collection method: clinical testing. Allele origin: germline. Observed: 88 variant alleles.

Athena Diagnostics
Classification: Benign. Last evaluated: 2017-10-10. Review status: criteria provided, single submitter. Criteria: Athena Diagnostics Criteria. Collection method: clinical testing. Allele origin: germline.

GeneDx
Classification: Benign. Last evaluated: 2015-03-03. Review status: criteria provided, single submitter. Criteria: GeneDx Variant Classification Process June 2021. Collection method: clinical testing. Allele origin: germline. Affected: yes.

Breakthrough Genomics
Classification: Benign. Review status: criteria provided, single submitter. Criteria: ACMG Guidelines, 2015. Collection method: not provided. Allele origin: germline. Inheritance: Autosomal recessive inheritance. Affected: yes.

PreventionGenetics, part of Exact Sciences
Classification: Benign. Review status: criteria provided, single submitter. Criteria: ACMG Guidelines, 2015. Collection method: clinical testing. Allele origin: germline.

Natera, Inc.
Classification: Benign for Polyglandular autoimmune syndrome type 1. Last evaluated: 2020-09-16. Review status: no assertion criteria provided. Collection method: clinical testing. Allele origin: germline. Not counted in ClinVar's aggregate classification.

Women's Health and Genetics/Laboratory Corporation of America, LabCorp
Classification: Benign for Polyglandular autoimmune syndrome, type 1. Last evaluated: 2010-11-20. Review status: no assertion criteria provided. Collection method: clinical testing. Allele origin: germline. Not counted in ClinVar's aggregate classification.

Diagnostic Laboratory, Department of Genetics, University Medical Center Groningen
Classification: Benign. Review status: no assertion criteria provided. Collection method: clinical testing. Allele origin: germline. Affected: yes. Study: VKGL Data-share Consensus. Not counted in ClinVar's aggregate classification.

Genetic Services Laboratory, University of Chicago
Classification: Likely benign for AllHighlyPenetrant. Review status: no assertion criteria provided. Collection method: clinical testing. Allele origin: germline. Inheritance: Autosomal recessive inheritance. Not counted in ClinVar's aggregate classification.
Comment: Likely benign based on allele frequency in 1000 Genomes Project or ESP global frequency and its presence in a patient with a rare or unrelated disease phenotype. NOT Sanger confirmed.

Genome Diagnostics Laboratory, University Medical Center Utrecht
Classification: Benign. Review status: no assertion criteria provided. Collection method: clinical testing. Allele origin: germline. Affected: yes. Study: VKGL Data-share Consensus. Not counted in ClinVar's aggregate classification.

NM_000383.4(AIRE):c.99T>C (p.Ala33=)

Gene: AIRE (autoimmune regulator; plus strand). Cytogenetic location: 21q22.3.
Variant type: single nucleotide variant.
Coding change: c.99T>C on transcript NM_000383.4 (MANE Select); coding-DNA position 99, T replaced by C.
Protein change: p.Ala33=; no amino-acid change (alanine 33 retained).
Molecular consequence: synonymous variant.
Genome position (GRCh38, 1-based): chr21:44,286,105, T>C. VCF-style: chr21-44286105-T-C. GRCh37 (hg19) VCF-style: chr21-45705988-T-C.
Other names: p.Ala33=; c.99T>C (LRG_18t1).
Identifiers: ClinVar variation 35669 (VCV000035669.23), dbSNP rs3746964, ClinGen allele CA151741.
Genomic context (GRCh38, chr21:44,286,105, plus strand): 5'-GCACCGCACGGAGATCGCGGTGGCCGTGGACAGCGCCTTCCCACTGCTGCACGCGCTGGC[T>C]GACCACGACGTGGTCCCCGAGGACAAGTTTCAGGTGGGCTCCCCGCCCGCCCCCCGCTGC-3'
Protein context (NP_000374.1, residues 23-43): DSAFPLLHAL[Ala33=]DHDVVPEDKF